The following is an entry in ClinVar:

ClinVar aggregate classification (germline): Uncertain significance (1 of 4 stars; one submission).

Conditions:
Hereditary cancer-predisposing syndrome. Also called: Tumor predisposition; Hereditary neoplastic syndrome; Hereditary Cancer Syndrome; Neoplastic Syndromes, Hereditary. Identifiers: Orphanet 140162, MedGen C0027672, MeSH D009386, MONDO:0015356.

Submission:

Ambry Genetics
Classification: Uncertain significance for Hereditary cancer-predisposing syndrome. Last evaluated: 2025-05-23. Review status: criteria provided, single submitter. Criteria: Ambry Variant Classification Scheme 2023. Collection method: clinical testing. Allele origin: germline.
Comment: The p.I2118N variant (also known as c.6353T>A), located in coding exon 46 of the POLE gene, results from a T to A substitution at nucleotide position 6353. The isoleucine at codon 2118 is replaced by asparagine, an amino acid with dissimilar properties. This amino acid position is conserved. In addition, this alteration is predicted to be tolerated by in silico analysis. Based on the available evidence, the clinical significance of this variant remains unclear.

NM_006231.4(POLE):c.6353T>A (p.Ile2118Asn)

Gene: POLE (DNA polymerase epsilon, catalytic subunit; minus strand). Cytogenetic location: 12q24.33.
Variant type: single nucleotide variant.
Coding change: c.6353T>A on transcript NM_006231.4 (MANE Select); coding-DNA position 6353, T replaced by A.
Protein change: p.Ile2118Asn; replaces isoleucine 2118 with asparagine.
Molecular consequence: missense variant.
Genome position (GRCh38, 1-based): chr12:132,626,295, A>T on the plus strand (T>A on the coding strand, the complement: POLE is on the minus strand). VCF-style: chr12-132626295-A-T. GRCh37 (hg19) VCF-style: chr12-133202881-A-T.
Other names: short protein forms I2118N.
Identifiers: ClinVar variation 3935652 (VCV003935652.1).
Genomic context (GRCh38, chr12:132,626,295, plus strand): 5'-AACTCGCCGACATCCACCAGGCGAAGCAGGTCTCGGTTCAGCTTATTCACCTGGTTTGTG[A>T]TGTTGGTGTCCAGGGACAGCACCTGCAGAGACCACAGCCCACATCGGGAAGGAGCTCCCG-3'
Protein context (NP_006222.2, residues 2108-2128): VCKVLSLDTN[Ile2118Asn]TNQVNKLNRD